The following is an entry in ClinVar:

NM_000238.4(KCNH2):c.1701C>G (p.Ile567Met)

Gene: KCNH2 (potassium voltage-gated channel subfamily H member 2; minus strand). Cytogenetic location: 7q36.1.
Variant type: single nucleotide variant.
Coding change: c.1701C>G on transcript NM_000238.4 (MANE Select); coding-DNA position 1701, C replaced by G.
Protein change: p.Ile567Met; replaces isoleucine 567 with methionine.
Molecular consequence: missense variant.
Genome position (GRCh38, 1-based): chr7:150,951,692, G>C on the plus strand (C>G on the coding strand, the complement: KCNH2 is on the minus strand). VCF-style: chr7-150951692-G-C. GRCh37 (hg19) VCF-style: chr7-150648780-G-C.
Other names: c.681C>G, p.Ile227Met (NM_001204798.2, NM_172057.3); c.1413C>G, p.Ile471Met (NM_001406753.1, NM_001406756.1); c.1524C>G, p.Ile508Met (NM_001406755.1); c.1401C>G, p.Ile467Met (NM_001406757.1); c.1701C>G, p.Ile567Met (NM_172056.3); short protein forms I227M, I467M, I508M, I567M, I471M.
Identifiers: ClinVar variation 2156604 (VCV002156604.4), dbSNP rs1460801598, ClinGen allele CA369858731.
Genomic context (GRCh38, chr7:150,951,692, plus strand): 5'-GTGCAGCCAGCCGATGCGTGAGTCCATGTGTGGCTGCTCCATGTTGCCGATGGCGTACCA[G>C]ATGCAGGCTAGCCAGTGCGCGATGAGCGCAAAGGTGCACATGAGCAAGAACAGCACGGCC-3'
Protein context (NP_000229.1, residues 557-577): FALIAHWLAC[Ile567Met]WYAIGNMEQP

ClinVar aggregate classification (germline): Uncertain significance (1 of 4 stars; one submission).

Conditions:
Long QT syndrome (LQTS). Identifiers: MedGen C0023976, MeSH D008133, MONDO:0002442. Disease mechanism: loss of function. Inheritance: Various modes of inheritance.

Allele frequency attached by ClinVar (database versions not stated): gnomAD exomes below 0.00001.
gnomAD v4.1: 1 of 1,614,212 alleles (0.000062%); highest among the groups gnomAD compares: Admixed American, 0.0017%; no homozygotes.

Submission:

Labcorp Genetics (formerly Invitae), Labcorp
Classification: Uncertain significance for Long QT syndrome. Last evaluated: 2022-03-26. Review status: criteria provided, single submitter. Criteria: Invitae Variant Classification Sherloc (09022015). Collection method: clinical testing. Allele origin: germline.
Comment: In summary, the available evidence is currently insufficient to determine the role of this variant in disease. Therefore, it has been classified as a Variant of Uncertain Significance. Algorithms developed to predict the effect of missense changes on protein structure and function are either unavailable or do not agree on the potential impact of this missense change (SIFT: "Deleterious"; PolyPhen-2: "Probably Damaging"; Align-GVGD: "Class C0"). This variant has not been reported in the literature in individuals affected with KCNH2-related conditions. This variant is present in population databases (no rsID available, gnomAD 0.003%). This sequence change replaces isoleucine, which is neutral and non-polar, with methionine, which is neutral and non-polar, at codon 567 of the KCNH2 protein (p.Ile567Met).